The following is an entry in ClinVar:

NM_006064.5(RRAGB):c.730T>C (p.Phe244Leu)

Gene: RRAGB (Ras related GTP binding B; plus strand). Cytogenetic location: Xp11.21.
Variant type: single nucleotide variant.
Coding change: c.730T>C on transcript NM_006064.5 (MANE Select); coding-DNA position 730, T replaced by C.
Protein change: p.Phe244Leu; replaces phenylalanine 244 with leucine.
Molecular consequence: missense variant. On other transcripts: non-coding transcript variant (10).
Genome position (GRCh38, 1-based): chrX:55,753,509, T>C. VCF-style: chrX-55753509-T-C. GRCh37 (hg19) VCF-style: chrX-55779942-T-C.
Other names: c.700T>C, p.Phe234Leu (NM_001354011.2); c.616T>C, p.Phe206Leu (NM_001354013.2); c.814T>C, p.Phe272Leu (NM_016656.4); short protein forms F206L, F234L, F244L, F272L.
Identifiers: ClinVar variation 3338201 (VCV003338201.2).
Genomic context (GRCh38, chrX:55,753,509, plus strand): 5'-CTAAGGAATTTTGCTGAAATTATCGAAGCTGATGAAGTACTTCTTTTTGAGAGAGCTACT[T>C]TTCTGGTAAGAACTTTCTGCTTTGCAGATGTACTTCACACTGTACGTTCTTTGTTTTCAG-3'
Protein context (NP_006055.3, residues 234-254): DEVLLFERAT[Phe244Leu]LVISHYQCKE

ClinVar aggregate classification (germline): Uncertain significance (0 of 4 stars; one submission).

Conditions:
Autism (AUTS). Also called: Autistic disorder of childhood onset; Autistic disorder. Identifiers: MedGen C0004352, MeSH D001321, MONDO:0005260, OMIM 209850, HP:0000717.

gnomAD v4.1: 5 of 1,192,351 alleles (0.00042%); highest among the groups gnomAD compares: Middle Eastern, 0.024%; no homozygotes.

Submission:

Centre for Addiction & Mental Health
Classification: Uncertain significance for Autism. Review status: no assertion criteria provided. Collection method: research. Allele origin: maternal. Affected: yes. Observed: 1 hemizygote. Segregation with disease observed.
Comment: Gene not previously associated with disease; independent supportng evidence needed